The following is an entry in ClinVar:

NM_004606.5(TAF1):c.3825G>A (p.Arg1275=)

Gene: TAF1 (TATA-box binding protein associated factor 1; plus strand). Cytogenetic location: Xq13.1.
Variant type: single nucleotide variant.
Coding change: c.3825G>A on transcript NM_004606.5 (MANE Select); coding-DNA position 3825, G replaced by A.
Protein change: p.Arg1275=; no amino-acid change (arginine 1275 retained).
Molecular consequence: synonymous variant. On other transcripts: non-coding transcript variant (9).
Genome position (GRCh38, 1-based): chrX:71,401,566, G>A. VCF-style: chrX-71401566-G-A. GRCh37 (hg19) VCF-style: chrX-70621416-G-A.
Other names: p.Arg1295=; c.3825G>A, p.Arg1275= (NM_001286074.2); c.3762G>A, p.Arg1254= (NM_138923.4).
Identifiers: ClinVar variation 695784 (VCV000695784.11), dbSNP rs146748733, ClinGen allele CA10447081.
Genomic context (GRCh38, chrX:71,401,566, plus strand): 5'-TTTGATACTTTTCCTTTTGCAGCTGAAATGTGGGGCATGTGGTGCCATTGGACACATGAG[G>A]ACTAACAAATTCTGCCCCCTCTATTATCAAACAAATGCGCCACCTTCCAACCCTGTTGCC-3'
Protein context (NP_004597.3, residues 1265-1285): CGACGAIGHM[Arg1275=]TNKFCPLYYQ

ClinVar aggregate classification (germline): Benign. Review status: criteria provided, multiple submitters, no conflicts (2 of 4 stars). 2 submissions from 2 submitters: Benign (2). Last evaluated 2026-01-17.

Allele frequency attached by ClinVar (database versions not stated): gnomAD 0.00069 and 0.00092; TOPMed 0.00069; ESP Exome Variant Server 0.00085; gnomAD exomes 0.00126 and 0.00241; 1000 Genomes Project 30x 0.00146; 1000 Genomes Project 0.00185; ExAC 0.00248.
gnomAD v4.1: 1,550 of 1,210,215 alleles (0.13%); highest among the groups gnomAD compares: South Asian, 1.3%; 11 homozygotes.

Submissions (2):

Labcorp Genetics (formerly Invitae), Labcorp
Classification: Benign. Last evaluated: 2026-01-17. Review status: criteria provided, single submitter. Criteria: Invitae Variant Classification Sherloc (09022015). Collection method: clinical testing. Allele origin: germline.

Mayo Clinic Laboratories, Mayo Clinic
Classification: Benign. Last evaluated: 2024-07-01. Review status: criteria provided, single submitter. Criteria: ACMG Guidelines, 2015. Collection method: clinical testing. Allele origin: germline. Observed: 3 variant alleles.
Comment: BS1, BS2, BP4, BP7